The following is an entry in ClinVar:

ClinVar aggregate classification (germline): Uncertain significance. Review status: criteria provided, multiple submitters, no conflicts (2 of 4 stars). 2 submissions from 2 submitters: Uncertain significance (2). Last evaluated 2025-09-10.

Conditions:
Hyperaldosteronism, familial, type IV (HALD4). Also called: FH IV; ALDOSTERONISM, PRIMARY, AND HYPERTENSION. Identifiers: Orphanet 642671, MedGen C4310756, MONDO:0014875, OMIM 617027.
Idiopathic generalized epilepsy. Also called: Generalised epilepsy; EIG. Identifiers: MedGen C0270850, MONDO:0005579, OMIM 600669.
Epilepsy, childhood absence, susceptibility to, 6. Identifiers: Orphanet 64280, MedGen C2749872, MONDO:0012763, OMIM 611942.

Submissions (2):

Genomic Medicine Center of Excellence, King Faisal Specialist Hospital and Research Centre
Classification: Uncertain significance for Epilepsy, childhood absence, susceptibility to, 6. Last evaluated: 2025-09-10. Review status: criteria provided, single submitter. Criteria: ACMG Guidelines, 2015. Collection method: clinical testing. Allele origin: germline.

Labcorp Genetics (formerly Invitae), Labcorp
Classification: Uncertain significance for Idiopathic generalized epilepsy; Hyperaldosteronism, familial, type IV. Last evaluated: 2025-08-06. Review status: criteria provided, single submitter. Criteria: Invitae Variant Classification Sherloc (09022015). Collection method: clinical testing. Allele origin: germline.
Comment: This sequence change replaces arginine, which is basic and polar, with leucine, which is neutral and non-polar, at codon 348 of the CACNA1H protein (p.Arg348Leu). This variant is not present in population databases (gnomAD no frequency). This variant has not been reported in the literature in individuals affected with CACNA1H-related conditions. Invitae Evidence Modeling of protein sequence and biophysical properties (such as structural, functional, and spatial information, amino acid conservation, physicochemical variation, residue mobility, and thermodynamic stability) indicates that this missense variant is not expected to disrupt CACNA1H protein function with a negative predictive value of 80%. In summary, the available evidence is currently insufficient to determine the role of this variant in disease. Therefore, it has been classified as a Variant of Uncertain Significance.

NM_021098.3(CACNA1H):c.1043G>T (p.Arg348Leu)

Gene: CACNA1H (calcium voltage-gated channel subunit alpha1 H; plus strand). Cytogenetic location: 16p13.3.
Variant type: single nucleotide variant.
Coding change: c.1043G>T on transcript NM_021098.3 (MANE Select); coding-DNA position 1043, G replaced by T.
Protein change: p.Arg348Leu; replaces arginine 348 with leucine.
Molecular consequence: missense variant.
Genome position (GRCh38, 1-based): chr16:1,200,495, G>T. VCF-style: chr16-1200495-G-T. GRCh37 (hg19) VCF-style: chr16-1250495-G-T.
Other names: c.1043G>T, p.Arg348Leu (NM_001005407.2); short protein forms R348L.
Identifiers: ClinVar variation 4277886 (VCV004277886.2).